The following is an entry in ClinVar:

ClinVar aggregate classification (germline): Likely pathogenic (1 of 4 stars; one submission).

Conditions:
Autosomal recessive polycystic kidney disease (ARPKD). Also called: AR polycystic kidney disease. Identifiers: Orphanet 731, Orphanet 8378, MedGen C0085548, MeSH D017044, MONDO:0009889.

Submission:

Natera, Inc.
Classification: Likely pathogenic for Autosomal recessive polycystic kidney disease. Last evaluated: 2025-01-14. Review status: criteria provided, single submitter. Criteria: Natera Variant Classification Schema (03/2026). Collection method: clinical testing. Allele origin: germline.
Comment: The c.9760C>T variant in PKHD1 is a nonsense variant predicted to introduce a stop codon at amino acid 3254. This variant is expected to result in nonsense mediated decay, truncation, or a dysfunctional protein product. This variant is rare in the general population with a frequency below the threshold expected for the associated phenotype(s). Given the available evidence, this variant is classified as Likely Pathogenic.

NM_138694.4(PKHD1):c.9760C>T (p.Gln3254Ter)

Gene: PKHD1 (PKHD1 ciliary IPT domain containing fibrocystin/polyductin; minus strand). Cytogenetic location: 6p12.3.
Variant type: single nucleotide variant.
Coding change: c.9760C>T on transcript NM_138694.4 (MANE Select); coding-DNA position 9760, C replaced by T.
Protein change: p.Gln3254Ter; replaces glutamine 3254 with a stop codon.
Molecular consequence: nonsense.
Genome position (GRCh38, 1-based): chr6:51,747,856, G>A on the plus strand (C>T on the coding strand, the complement: PKHD1 is on the minus strand). VCF-style: chr6-51747856-G-A. GRCh37 (hg19) VCF-style: chr6-51612654-G-A.
Other names: c.9760C>T, p.Gln3254Ter (NM_170724.3); short protein forms Q3254*.
Identifiers: ClinVar variation 4816807 (VCV004816807.1).